The following is an entry in ClinVar:

ClinVar aggregate classification (germline): Uncertain significance. Review status: criteria provided, multiple submitters, no conflicts (2 of 4 stars). 2 submissions from 2 submitters: Uncertain significance (2). Last evaluated 2025-06-03.

Allele frequency attached by ClinVar (database versions not stated): gnomAD exomes 0.00001; TOPMed 0.00001; gnomAD 0.00001.
gnomAD v4.1: 10 of 1,614,040 alleles (0.00062%); highest among the groups gnomAD compares: African/African-American, 0.0027%; no homozygotes.

Submissions (2):

GeneDx
Classification: Uncertain significance. Last evaluated: 2025-06-03. Review status: criteria provided, single submitter. Criteria: GeneDx Variant Classification Process June 2021. Collection method: clinical testing. Allele origin: germline. Affected: yes.
Comment: Not observed at significant frequency in large population cohorts (gnomAD); In silico analysis supports that this missense variant has a deleterious effect on protein structure/function; Has not been previously published as pathogenic or benign to our knowledge

Labcorp Genetics (formerly Invitae), Labcorp
Classification: Uncertain significance. Last evaluated: 2022-06-22. Review status: criteria provided, single submitter. Criteria: Invitae Variant Classification Sherloc (09022015). Collection method: clinical testing. Allele origin: germline.
Comment: This sequence change replaces tyrosine, which is neutral and polar, with phenylalanine, which is neutral and non-polar, at codon 2698 of the USH2A protein (p.Tyr2698Phe). This variant is present in population databases (no rsID available, gnomAD 0.004%). This variant has not been reported in the literature in individuals affected with USH2A-related conditions. Algorithms developed to predict the effect of missense changes on protein structure and function are either unavailable or do not agree on the potential impact of this missense change (SIFT: "Deleterious"; PolyPhen-2: "Probably Damaging"; Align-GVGD: "Class C15"). In summary, the available evidence is currently insufficient to determine the role of this variant in disease. Therefore, it has been classified as a Variant of Uncertain Significance.

NM_206933.4(USH2A):c.8093A>T (p.Tyr2698Phe)

Gene: USH2A (usherin; minus strand). Cytogenetic location: 1q41.
Variant type: single nucleotide variant.
Coding change: c.8093A>T on transcript NM_206933.4 (MANE Select); coding-DNA position 8093, A replaced by T.
Protein change: p.Tyr2698Phe; replaces tyrosine 2698 with phenylalanine.
Molecular consequence: missense variant.
Genome position (GRCh38, 1-based): chr1:215,888,556, T>A on the plus strand (A>T on the coding strand, the complement: USH2A is on the minus strand). VCF-style: chr1-215888556-T-A. GRCh37 (hg19) VCF-style: chr1-216061898-T-A.
Other names: c.8093A>T (NM_206933.2); short protein forms Y2698F.
Identifiers: ClinVar variation 1957169 (VCV001957169.3), dbSNP rs1467542355, ClinGen allele CA344838881.